The following is an entry in ClinVar:

ClinVar aggregate classification (germline): Uncertain significance (1 of 4 stars; one submission).

Allele frequency attached by ClinVar (database versions not stated): gnomAD exomes below 0.00001; ExAC 0.00001; gnomAD 0.00001; TOPMed 0.00001; 1000 Genomes Project 30x 0.00016; 1000 Genomes Project 0.00020.
gnomAD v4.1: 6 of 1,614,230 alleles (0.00037%); highest among the groups gnomAD compares: Admixed American, 0.0083%; no homozygotes.

Submission:

Labcorp Genetics (formerly Invitae), Labcorp
Classification: Uncertain significance. Last evaluated: 2023-10-06. Review status: criteria provided, single submitter. Criteria: Invitae Variant Classification Sherloc (09022015). Collection method: clinical testing. Allele origin: germline.
Comment: This sequence change replaces lysine, which is basic and polar, with arginine, which is basic and polar, at codon 589 of the ATP2B2 protein (p.Lys589Arg). This variant is present in population databases (rs182847338, gnomAD 0.006%). This variant has not been reported in the literature in individuals affected with ATP2B2-related conditions. An algorithm developed to predict the effect of missense changes on protein structure and function (PolyPhen-2) suggests that this variant is likely to be disruptive. In summary, the available evidence is currently insufficient to determine the role of this variant in disease. Therefore, it has been classified as a Variant of Uncertain Significance.

NM_001001331.4(ATP2B2):c.1901A>G (p.Lys634Arg)

Gene: ATP2B2 (ATPase plasma membrane Ca2+ transporting 2; minus strand). Cytogenetic location: 3p25.3.
Variant type: single nucleotide variant.
Coding change: c.1901A>G on transcript NM_001001331.4 (MANE Select); coding-DNA position 1901, A replaced by G.
Protein change: p.Lys634Arg; replaces lysine 634 with arginine.
Molecular consequence: missense variant.
Genome position (GRCh38, 1-based): chr3:10,359,882, T>C on the plus strand (A>G on the coding strand, the complement: ATP2B2 is on the minus strand). VCF-style: chr3-10359882-T-C. GRCh37 (hg19) VCF-style: chr3-10401566-T-C.
Other names: c.1766A>G, p.Lys589Arg (NM_001330611.3, NM_001353564.1, NM_001363862.1 and 1 more transcripts); short protein forms K634R, K589R.
Identifiers: ClinVar variation 2720642 (VCV002720642.3), dbSNP rs182847338, ClinGen allele CA2253560.